The following is an entry in ClinVar:

ClinVar aggregate classification (germline): Uncertain significance (1 of 4 stars; one submission).

Allele frequency attached by ClinVar (database versions not stated): TOPMed below 0.00001; gnomAD 0.00001.
gnomAD v4.1: 2 of 1,613,894 alleles (0.00012%); highest among the groups gnomAD compares: Admixed American, 0.0017%; no homozygotes.

Submission:

GeneDx
Classification: Uncertain significance. Last evaluated: 2022-08-04. Review status: criteria provided, single submitter. Criteria: GeneDx Variant Classification Process June 2021. Collection method: clinical testing. Allele origin: germline. Affected: yes.
Comment: Not observed at significant frequency in large population cohorts (gnomAD); In silico analysis supports that this missense variant has a deleterious effect on protein structure/function; Has not been previously published as pathogenic or benign to our knowledge

NM_014633.5(CTR9):c.616C>T (p.His206Tyr)

Gene: CTR9 (CTR9 homolog, Paf1/RNA polymerase II complex component; plus strand). Cytogenetic location: 11p15.4.
Variant type: single nucleotide variant.
Coding change: c.616C>T on transcript NM_014633.5 (MANE Select); coding-DNA position 616, C replaced by T.
Protein change: p.His206Tyr; replaces histidine 206 with tyrosine.
Molecular consequence: missense variant.
Genome position (GRCh38, 1-based): chr11:10,760,196, C>T. VCF-style: chr11-10760196-C-T. GRCh37 (hg19) VCF-style: chr11-10781743-C-T.
Other names: c.616C>T, p.His206Tyr (NM_001346279.2); short protein forms H206Y.
Identifiers: ClinVar variation 2428973 (VCV002428973.3), dbSNP rs1862954471, ClinGen allele CA379662431.